The following is an entry in ClinVar:

ClinVar aggregate classification (germline): Uncertain significance (1 of 4 stars; one submission).

Conditions:
Hereditary cancer-predisposing syndrome. Also called: Neoplastic Syndromes, Hereditary; Tumor predisposition; Hereditary Cancer Syndrome; Hereditary neoplastic syndrome. Identifiers: Orphanet 140162, MedGen C0027672, MeSH D009386, MONDO:0015356.

Submission:

Ambry Genetics
Classification: Uncertain significance for Hereditary cancer-predisposing syndrome. Last evaluated: 2025-12-11. Review status: criteria provided, single submitter. Criteria: Ambry Variant Classification Scheme 2023. Collection method: clinical testing. Allele origin: germline.
Comment: The p.T362S variant (also known as c.1084A>T), located in coding exon 8 of the PTCH1 gene, results from an A to T substitution at nucleotide position 1084. The threonine at codon 362 is replaced by serine, an amino acid with similar properties. This amino acid position is conserved. In addition, this alteration is predicted to be deleterious by in silico analysis. Based on the available evidence, the clinical significance of this variant remains unclear.

NM_000264.5(PTCH1):c.1084A>T (p.Thr362Ser)

Gene: PTCH1 (patched 1; minus strand). Cytogenetic location: 9q22.32.
Variant type: single nucleotide variant.
Coding change: c.1084A>T on transcript NM_000264.5 (MANE Select); coding-DNA position 1084, A replaced by T.
Protein change: p.Thr362Ser; replaces threonine 362 with serine.
Molecular consequence: missense variant. On other transcripts: non-coding transcript variant (1).
Genome position (GRCh38, 1-based): chr9:95,479,131, T>A on the plus strand (A>T on the coding strand, the complement: PTCH1 is on the minus strand). VCF-style: chr9-95479131-T-A. GRCh37 (hg19) VCF-style: chr9-98241413-T-A.
Other names: c.886A>T, p.Thr296Ser (NM_001083602.3); c.1081A>T, p.Thr361Ser (NM_001083603.3); c.631A>T, p.Thr211Ser (NM_001083604.3, NM_001083605.3, NM_001083606.3 and 1 more transcripts); c.1084A>T, p.Thr362Ser (NM_001354918.2); short protein forms T211S, T296S, T362S, T361S.
Identifiers: ClinVar variation 4676257 (VCV004676257.1).